The following is an entry in ClinVar:

ClinVar aggregate classification (germline): Pathogenic (1 of 4 stars; one submission).

Conditions:
Methylcrotonyl-CoA carboxylase deficiency. Also called: 3-MCC Deficiency; 3 Methylcrotonylglycinuria; Deficiency of methylcrotonoyl-CoA carboxylase. Identifiers: Orphanet 6, MedGen C4551505, MONDO:0018950.

Submission:

Women's Health and Genetics/Laboratory Corporation of America, LabCorp
Classification: Pathogenic for Methylcrotonyl-CoA carboxylase deficiency. Last evaluated: 2025-11-10. Review status: criteria provided, single submitter. Criteria: LabCorp Variant Classification Summary - May 2015. Collection method: clinical testing. Allele origin: germline.
Comment: Variant summary: The variant involves the deletion of exons 7-15 in the MCCC2 gene. This Copy Number Variant (CNV) is predicted to result in an in-frame deletion within this gene. Loss-of-function variants in this gene are known to be pathogenic. A presumed nomenclature of c.(624+1_625-1)_(1488+1_1489-1)del has been designated for the purposes of this classification. The variant was absent in 21628 control chromosomes. To our knowledge, no occurrence of c.(624+1_625-1)_(1488+1_1489-1)del in individuals affected with MCCC2-related conditions and no experimental evidence demonstrating its impact on protein function have been reported. Deletion of in-frame genomic region encompassing exon(s) 8-10 of the MCCC2 gene has been determined to be pathogenic (Variation ID: 3246358). No submitters have cited clinical-significance assessments for this variant to ClinVar. Based on the evidence outlined above, the variant was classified as pathogenic.

NC_000005.9:g.(70900296_70922466)_(70946011_70948495)del

Gene: MCCC2 (methylcrotonyl-CoA carboxylase subunit 2; plus strand). Cytogenetic location: 5q13.2.
Variant type: Deletion.
Identifiers: ClinVar variation 4536929 (VCV004536929.1).